The following is an entry in ClinVar:

ClinVar aggregate classification (germline): Pathogenic. Review status: criteria provided, multiple submitters, no conflicts (2 of 4 stars). 3 submissions from 3 submitters: Pathogenic (2). 1 of the submissions does not count toward it. Last evaluated 2026-08-31.

Conditions:
Spinocerebellar ataxia 42, early-onset, severe, with neurodevelopmental deficits. Identifiers: MedGen C4748120, MONDO:0060758, OMIM 618087.

Submissions (3):

Institute of Human Genetics, University of Leipzig Medical Center
Classification: Pathogenic for Spinocerebellar ataxia 42, early-onset, severe, with neurodevelopmental deficits. Last evaluated: 2026-08-31. Review status: criteria provided, single submitter. Criteria: ACMG Guidelines, 2015. Collection method: clinical testing. Allele origin: unknown. Inheritance: Autosomal dominant inheritance. Affected: yes.
Comment: Criteria applied: PS2_VSTR,PS4,PM2,PM5,PS3_SUP,PP2,PP3

Victorian Clinical Genetics Services, Murdoch Childrens Research Institute
Classification: Pathogenic for Spinocerebellar ataxia 42, early-onset, severe, with neurodevelopmental deficits. Last evaluated: 2020-06-11. Review status: criteria provided, single submitter. Criteria: ACMG Guidelines, 2015. Collection method: clinical testing. Allele origin: germline. Inheritance: Autosomal dominant inheritance. Affected: yes.
Comment: Based on the classification scheme VCGS_Germline_v1.1.1, this variant is classified as Pathogenic. Following criteria are met: 0105 - The mechanism of disease for this gene is not clearly established however both loss- and gain-of-function have been reported (PMID: 31217264). (N) 0107 - This gene is known to be associated with autosomal dominant disease. (N) 0200 - Variant is predicted to result in a missense amino acid change from methionine to valine (exon 25). (N) 0251 - Variant is heterozygous. (N) 0301 - Variant is absent from gnomAD. (P) 0502 - Missense variant with conflicting in-silico predictions and/or uninformative conservation. (N) 0603 - Missense variant located within the transmembrane S6 of repeat III in a region that is highly intolerant to missense variation (high constraint region). (P) 0705 - No comparable variants have previous evidence for pathogenicity. (N) 0801 - Strong previous evidence of pathogenicity in unrelated individuals. This variant has been reported as de novo in 3 patients with early onset CACNA1G-related disorders (PMID: 31836334; 29878067; 30792901) (P) 1002 - Moderate functional evidence supporting abnormal protein function. Functional studies demonstrated altered electrophysiological behaviour and increased calcium influx (PMID: 29878067) (P) 1208 - Inheritance information for this variant is not currently available. (N) Legend: (P) - Pathogenic, (N) - Neutral, (B) - Benign

OMIM
Classification: Pathogenic for SPINOCEREBELLAR ATAXIA 42, EARLY-ONSET, SEVERE, WITH NEURODEVELOPMENTAL DEFICITS. Last evaluated: 2018-08-14. Review status: no assertion criteria provided. Collection method: literature only. Allele origin: germline. Not counted in ClinVar's aggregate classification.

Literature cited by the submitters: PubMed 29878067 (cited by Victorian Clinical Genetics Services, Murdoch Childrens Research Institute and OMIM); PubMed 30792901 (cited by Victorian Clinical Genetics Services, Murdoch Childrens Research Institute); PubMed 31836334 (cited by Victorian Clinical Genetics Services, Murdoch Childrens Research Institute); PubMed 31217264 (cited by Victorian Clinical Genetics Services, Murdoch Childrens Research Institute).

NM_018896.5(CACNA1G):c.4591A>G (p.Met1531Val)

Gene: CACNA1G (calcium voltage-gated channel subunit alpha1 G; plus strand). Cytogenetic location: 17q21.33.
Variant type: single nucleotide variant.
Coding change: c.4591A>G on transcript NM_018896.5 (MANE Select); coding-DNA position 4591, A replaced by G.
Protein change: p.Met1531Val; replaces methionine 1531 with valine.
Molecular consequence: missense variant. On other transcripts: non-coding transcript variant (5), intron variant (7).
Genome position (GRCh38, 1-based): chr17:50,607,905, A>G. VCF-style: chr17-50607905-A-G. GRCh37 (hg19) VCF-style: chr17-48685266-A-G.
Other names: c.4522A>G, p.Met1508Val (NM_198396.3, NM_198376.3, NM_198379.3 and 4 more transcripts); c.4513-3A>G (NM_001256361.2, NM_001256359.2); c.4513-24A>G (NM_001256326.2, NM_001256330.2, NM_001256329.2 and 1 more transcripts); c.4444-24A>G (NM_001256332.2); c.4591A>G, p.Met1531Val (NM_001256324.2, NM_001256325.2, NM_001256327.2 and 9 more transcripts); c.4516A>G, p.Met1506Val (NM_001256360.2); short protein forms M1531V, M1508V, M1506V.
Identifiers: ClinVar variation 559581 (VCV000559581.3), dbSNP rs1555558553, ClinGen allele CA400258874.
Genomic context (GRCh38, chr17:50,607,905, plus strand): 5'-CCCTGGATGCTGCTGTACTTCATCTCGTTCCTGCTCATTGTGGCCTTCTTTGTCCTGAAC[A>G]TGTTTGTGGGTGTGGTGGTGGAGAACTTCCACAAGTGTCGGCAGCACCAGGAGGAAGAGG-3'
Protein context (NP_061496.2, residues 1521-1541): LLIVAFFVLN[Met1531Val]FVGVVVENFH